The following is an entry in ClinVar:

ClinVar aggregate classification (germline): Uncertain significance (1 of 4 stars; one submission).

Conditions:
Primary ciliary dyskinesia. Also called: Ciliary dyskinesia. Identifiers: Orphanet 244, MedGen C0008780, MONDO:0016575, HP:0012265.

Submission:

Ambry Genetics
Classification: Uncertain significance for Primary ciliary dyskinesia. Last evaluated: 2024-08-31. Review status: criteria provided, single submitter. Criteria: Ambry Variant Classification Scheme 2023. Collection method: clinical testing. Allele origin: germline.
Comment: The p.E142Q variant (also known as c.424G>C), located in coding exon 4 of the CCDC114 gene, results from a G to C substitution at nucleotide position 424. The glutamic acid at codon 142 is replaced by glutamine, an amino acid with highly similar properties. This amino acid position is conserved. In addition, this alteration is predicted to be tolerated by in silico analysis. Based on the available evidence, the clinical significance of this variant remains unclear.

NM_001364171.2(ODAD1):c.535G>C (p.Glu179Gln)

Gene: ODAD1 (outer dynein arm docking complex subunit 1; minus strand). Cytogenetic location: 19q13.33.
Variant type: single nucleotide variant.
Coding change: c.535G>C on transcript NM_001364171.2 (MANE Select); coding-DNA position 535, G replaced by C.
Protein change: p.Glu179Gln; replaces glutamic acid 179 with glutamine.
Molecular consequence: missense variant.
Genome position (GRCh38, 1-based): chr19:48,311,615, C>G on the plus strand (G>C on the coding strand, the complement: ODAD1 is on the minus strand). VCF-style: chr19-48311615-C-G. GRCh37 (hg19) VCF-style: chr19-48814872-C-G.
Other names: c.424G>C, p.Glu142Gln (NM_144577.4); short protein forms E179Q, E142Q.
Identifiers: ClinVar variation 3409746 (VCV003409746.1).